The following is an entry in ClinVar:

ClinVar aggregate classification (germline): Uncertain significance (1 of 4 stars; one submission).

Conditions:
Cognitive impairment with or without cerebellar ataxia (CIAT). Identifiers: MedGen C3280415, MONDO:0013680, OMIM 614306.

Submission:

OLLIN Analises Genomicas, OLLIN
Classification: Uncertain significance for Cognitive impairment with or without cerebellar ataxia. Last evaluated: 2026-08-06. Review status: criteria provided, single submitter. Criteria: ACMG Guidelines 2015 PMID 25741868. Collection method: clinical testing. Allele origin: germline. Inheritance: Autosomal dominant inheritance.
Comment: This missense variant, located in exon 19 (of 27), is absent from gnomAD and ClinVar and has not been identified in the literature. In silico analysis predicts that this variant has a deleterious effect. According to the currently available evidence, this variant has been classified as uncertain significance (PM2_P, PP3_M).

NM_001330260.2(SCN8A):c.3599T>C (p.Phe1200Ser)

Gene: SCN8A (sodium voltage-gated channel alpha subunit 8; plus strand). Cytogenetic location: 12q13.13.
Variant type: single nucleotide variant.
Coding change: c.3599T>C on transcript NM_001330260.2 (MANE Select); coding-DNA position 3599, T replaced by C.
Protein change: p.Phe1200Ser; replaces phenylalanine 1200 with serine.
Molecular consequence: missense variant.
Genome position (GRCh38, 1-based): chr12:51,770,637, T>C. VCF-style: chr12-51770637-T-C. GRCh37 (hg19) VCF-style: chr12-52164421-T-C.
Other names: c.3599T>C, p.Phe1200Ser (NM_001177984.3, NM_001369788.1, NM_014191.4); short protein forms F1200S.
Identifiers: ClinVar variation 5002860 (VCV005002860.1).
Genomic context (GRCh38, chr12:51,770,637, plus strand): 5'-TAGGCAAGTCTTGGTGGATCCTGCGGAAAACCTGCTTCCTCATCGTGGAGCACAACTGGT[T>C]TGAGACCTTCATCATCTTCATGATTCTGCTGAGCAGTGGCGCCCTGGTGAGGTCCAGGGG-3'
Protein context (NP_001317189.1, residues 1190-1210): TCFLIVEHNW[Phe1200Ser]ETFIIFMILL